The following is an entry in ClinVar:

ClinVar aggregate classification (germline): Uncertain significance (1 of 4 stars; one submission).

Conditions:
Bethlem myopathy 1A. Also called: MYOPATHY, BENIGN CONGENITAL, WITH CONTRACTURES; Bethlem Muscular Dystrophy; Bethlem myopathy 1. Identifiers: Orphanet 610, MedGen CN029274, MONDO:0024530, OMIM 158810.

Allele frequency attached by ClinVar (database versions not stated): gnomAD 0.00001; 1000 Genomes Project 0.00020; 1000 Genomes Project 30x 0.00031.
gnomAD v4.1: 10 of 1,611,352 alleles (0.00062%); highest among the groups gnomAD compares: East Asian, 0.0045%; no homozygotes.

Submission:

Labcorp Genetics (formerly Invitae), Labcorp
Classification: Uncertain significance for Bethlem myopathy 1A. Last evaluated: 2024-10-17. Review status: criteria provided, single submitter. Criteria: Invitae Variant Classification Sherloc (09022015). Collection method: clinical testing. Allele origin: germline.
Comment: This sequence change falls in intron 33 of the COL6A1 gene. It does not directly change the encoded amino acid sequence of the COL6A1 protein. It affects a nucleotide within the consensus splice site. This variant is not present in population databases (gnomAD no frequency). This variant has not been reported in the literature in individuals affected with COL6A1-related conditions. ClinVar contains an entry for this variant (Variation ID: 542978). Variants that disrupt the consensus splice site are a relatively common cause of aberrant splicing (PMID: 17576681, 9536098). Algorithms developed to predict the effect of sequence changes on RNA splicing suggest that this variant is not likely to affect RNA splicing. In summary, the available evidence is currently insufficient to determine the role of this variant in disease. Therefore, it has been classified as a Variant of Uncertain Significance.

Literature cited by the submitters: PubMed 17576681; PubMed 9536098.

NM_001848.3(COL6A1):c.2434+4C>T

Gene: COL6A1 (collagen type VI alpha 1 chain; plus strand). Cytogenetic location: 21q22.3.
Variant type: single nucleotide variant.
Coding change: c.2434+4C>T on transcript NM_001848.3 (MANE Select); 4 bases into the intron after coding-DNA position 2434, C replaced by T.
Molecular consequence: intron variant.
Genome position (GRCh38, 1-based): chr21:46,002,714, C>T. VCF-style: chr21-46002714-C-T. GRCh37 (hg19) VCF-style: chr21-47422628-C-T.
Identifiers: ClinVar variation 542978 (VCV000542978.11), dbSNP rs202147670, ClinGen allele CA321979239.
Genomic context (GRCh38, chr21:46,002,714, plus strand): 5'-ATGCAGAGCTGCTGGAGGATGCCTTCCTGAAGAATGTCACCGCCCAGATCTGCATAGGTG[C>T]GCATGGGGCCACCCGGGCAGTCCCAGATCTGCGTAGGTGCGCGCGGGGCCGCCCGGGCAG-3'